The following is an entry in ClinVar:

NM_000143.4(FH):c.1475_1476del (p.Leu492fs)

Gene: FH (fumarate hydratase; minus strand). Cytogenetic location: 1q43.
Variant type: Microsatellite.
Coding change: c.1475_1476del on transcript NM_000143.4 (MANE Select); coding-DNA positions 1475 to 1476, 2 bases deleted (TC; older notation c.1475_1476delTC).
Protein change: p.Leu492fs; shifts the reading frame from leucine 492.
Molecular consequence: frameshift variant.
Genome position (GRCh38, 1-based): chr1:241,497,885-241,497,886, GA deleted on the plus strand (TC on the coding strand, the reverse complement: FH is on the minus strand); deleting any 2 consecutive bases within chr1:241,497,885-241,497,888 gives the same sequence; the c. name uses the placement nearest the transcript's 3' end. VCF-style (leftmost placement, unchanged base first): chr1-241497884-TGA-T. GRCh37 (hg19) VCF-style: chr1-241661184-TGA-T.
Other names: c.1475_1476delTC (NM_000143.3); c.1475_1476del (NM_000143.3); short protein forms L492fs.
Identifiers: ClinVar variation 279807 (VCV000279807.17), dbSNP rs886041201, ClinGen allele CA10602782.
Genomic context (GRCh38, chr1:241,497,884, plus strand): 5'-TAAATCACTTTGGACCCAGCATGTCCTTAGGTTTTACCCATTCGTCAAACTGCTCTGCTG[TGA>T]GATAGCCAAGTTCGATAGCAGTTTCCTTTAAGGTTGATCCATTTTTGTGTGCTGTCTTAG-3'

ClinVar aggregate classification (germline): Pathogenic/Likely pathogenic. Review status: criteria provided, multiple submitters, no conflicts (2 of 4 stars). 7 submissions from 7 submitters: Pathogenic (6); Likely pathogenic (1). Last evaluated 2025-03-18.

Conditions:
Hereditary cancer-predisposing syndrome. Also called: Tumor predisposition; Hereditary neoplastic syndrome; Neoplastic Syndromes, Hereditary; Hereditary Cancer Syndrome. Identifiers: Orphanet 140162, MedGen C0027672, MeSH D009386, MONDO:0015356.
Hereditary leiomyomatosis and renal cell cancer. Also called: Multiple cutaneous leiomyomas; MULTIPLE CUTANEOUS AND UTERINE LEIOMYOMATA 1, WITH OR WITHOUT RENAL CELL CARCINOMA; FH tumor predisposition syndrome; LEIOMYOMA, MULTIPLE CUTANEOUS; Reed syndrome; Multiple cutaneous and uterine leiomyomatosis. Identifiers: Orphanet 523, MedGen C1708350, MONDO:0007888, OMIM 150800, HP:0007437. Disease mechanism: loss of function.
Fumarase deficiency (FMRD). Also called: Fumaric aciduria; Fumarate Hydratase Deficiency. Identifiers: Orphanet 24, MedGen C0342770, MONDO:0011730, OMIM 606812.

Submissions (7):

Molecular Pathology, Peter Maccallum Cancer Centre
Classification: Pathogenic for Hereditary leiomyomatosis and renal cell cancer. Last evaluated: 2025-03-18. Review status: criteria provided, single submitter. Criteria: ACMG Guidelines, 2015. Collection method: clinical testing. Allele origin: germline. Inheritance: Autosomal dominant inheritance.

Quest Diagnostics Nichols Institute San Juan Capistrano
Classification: Likely pathogenic. Last evaluated: 2024-10-29. Review status: criteria provided, single submitter. Criteria: Quest Diagnostics criteria. Collection method: clinical testing. Allele origin: unknown.
Comment: The FH c.1475_1476del (p.Leu492Hisfs*6) variant alters the translational reading frame of the FH mRNA and is predicted to cause the premature termination of FH protein synthesis. However, this variant is located in the terminal exon of the FH gene and is predicted to remove the last 14 amino acids of the protein. In the published literature, this variant has been reported in individuals with hereditary leiomyomatosis and renal cell cancer (HLRCC) (PMID: 34604083 (2021), 28122802 (2017), 16597677 (2006)). Assessment of experimental evidence suggests this variant results in abnormal protein function (PMID: 16597677 (2006)). The frequency of this variant in the general population, 0.000004 (1/250528 chromosomes (Genome Aggregation Database)), is consistent with pathogenicity. The frequency of this variant in the general population, 0.000004 (1/250528 chromosomes (Genome Aggregation Database)), is consistent with pathogenicity. Based on the available information, this variant is classified as likely pathogenic.

Baylor Genetics
Classification: Pathogenic for Fumarase deficiency. Last evaluated: 2024-03-25. Review status: criteria provided, single submitter. Criteria: ACMG Guidelines, 2015. Collection method: clinical testing. Allele origin: unknown.

Ambry Genetics
Classification: Pathogenic for Hereditary cancer-predisposing syndrome. Last evaluated: 2024-02-01. Review status: criteria provided, single submitter. Criteria: Ambry Variant Classification Scheme 2023. Collection method: clinical testing. Allele origin: germline.
Comment: The c.1475_1476delTC pathogenic mutation, located in coding exon 10 of the FH gene, results from a deletion of two nucleotides at nucleotide positions 1475 and 1476, causing a translational frameshift with a predicted alternate stop codon (p.L492Hfs*6). This alteration is expected to result in loss of function by premature protein truncation. This alteration has been observed in at least one individual who has a personal or family history that is consistent with FH-associated disease (Ambry internal data). As such, this alteration is interpreted as a disease-causing mutation.

Myriad Genetics, Inc.
Classification: Pathogenic for Hereditary leiomyomatosis and renal cell cancer. Last evaluated: 2023-06-06. Review status: criteria provided, single submitter. Criteria: Myriad Autosomal Dominant, Autosomal Recessive and X-Linked Classification Criteria (2023). Collection method: clinical testing. Allele origin: unknown.
Comment: This variant is considered pathogenic. This variant creates a frameshift predicted to result in premature protein truncation.

Labcorp Genetics (formerly Invitae), Labcorp
Classification: Pathogenic. Last evaluated: 2022-09-01. Review status: criteria provided, single submitter. Criteria: Invitae Variant Classification Sherloc (09022015). Collection method: clinical testing. Allele origin: germline.
Comment: For these reasons, this variant has been classified as Pathogenic. This variant disrupts a region of the FH protein in which other variant(s) (p.Trp500*) have been determined to be pathogenic (PMID: 9635293, 21398687). This suggests that this is a clinically significant region of the protein, and that variants that disrupt it are likely to be disease-causing. Experimental studies have shown that this premature translational stop signal affects FH function (PMID: 16597677). Algorithms developed to predict the effect of variants on protein structure and function are not available or were not evaluated for this variant. ClinVar contains an entry for this variant (Variation ID: 279807). This variant is also known as 1346_1347delTC. This premature translational stop signal has been observed in individual(s) with hereditary leiomyomatosis and renal cell cancer (PMID: 16597677). This variant is present in population databases (no rsID available, gnomAD 0.0009%). This sequence change creates a premature translational stop signal (p.Leu492Hisfs*6) in the FH gene. While this is not anticipated to result in nonsense mediated decay, it is expected to disrupt the last 19 amino acid(s) of the FH protein.

GeneDx
Classification: Pathogenic. Last evaluated: 2016-09-29. Review status: criteria provided, single submitter. Criteria: GeneDx Variant Classification (06012015). Collection method: clinical testing. Allele origin: germline. Affected: yes.
Comment: The c.1475_1476delTC variant in the FH gene has been reported previously in the heterozygous state in association with hereditary leiomyomatosis and renal cell cancer (HLRCC) (Pithukpakorn et al., 2006). In lymphoblastoid cells and fibroblasts from an affected individual, FH enzyme activity was significantly reduced compared to controls (Pithukpakorn et al., 2006). This deletion causes a frameshift starting with codon Leucine 492, changes this amino acid to a Histidine residue and creates a premature Stop codon at position 6 of the new reading frame, denoted p.Leu492HisfsX6. This variant is predicted to cause loss of normal protein function through protein truncation. Based on currently available evidence, we consider c.1475_1476delTC to be pathogenic.

Literature cited by the submitters: PubMed 28122802 (cited by Quest Diagnostics Nichols Institute San Juan Capistrano); PubMed 16597677 (cited by Quest Diagnostics Nichols Institute San Juan Capistrano and Labcorp Genetics (formerly Invitae), Labcorp); PubMed 34604083 (cited by Quest Diagnostics Nichols Institute San Juan Capistrano); PubMed 9635293 (cited by Labcorp Genetics (formerly Invitae), Labcorp); PubMed 21398687 (cited by Labcorp Genetics (formerly Invitae), Labcorp).